The following is an entry in ClinVar:

NM_000018.4(ACADVL):c.316_325dup (p.Val109fs)

Gene: ACADVL (acyl-CoA dehydrogenase very long chain; plus strand). Cytogenetic location: 17p13.1.
Variant type: Duplication.
Coding change: c.316_325dup on transcript NM_000018.4 (MANE Select); coding-DNA positions 316 to 325, 10 bases duplicated (GTGGAGCCTG; older notation c.316_325dupGTGGAGCCTG).
Protein change: p.Val109fs; shifts the reading frame from valine 109.
Molecular consequence: frameshift variant.
Genome position (GRCh38, 1-based): chr17:7,220,804-7,220,813, GTGGAGCCTG duplicated; duplicating any 10 consecutive bases within chr17:7,220,801-7,220,813 gives the same sequence; the c. name uses the placement nearest the transcript's 3' end. VCF-style (leftmost placement, unchanged base first): chr17-7220800-G-GCTGGTGGAGC. GRCh37 (hg19) VCF-style: chr17-7124119-G-GCTGGTGGAGC.
Other names: c.250_259dup, p.Val87fs (NM_001033859.3); c.385_394dup, p.Val132fs (NM_001270447.2); c.88_97dup, p.Val33fs (NM_001270448.2); short protein forms V109fs, V132fs, V33fs, V87fs.
Identifiers: ClinVar variation 4798951 (VCV004798951.2).
Genomic context (GRCh38, chr17:7,220,800, plus strand): 5'-ACCAGCCTGTCCCCCACCCTCTGCAGTGCTCAACGAAGAGCAGACACAGTTTCTTAAAGA[G>GCTGGTGGAGC]CTGGTGGAGCCTGTGTCCCGTTTCTTCGAGGTAAGGAATGACTCGGGGCTTGGTCCCTGG-3'

ClinVar aggregate classification (germline): Pathogenic. Review status: criteria provided, multiple submitters, no conflicts (2 of 4 stars). 2 submissions from 2 submitters: Pathogenic (2). Last evaluated 2025-02-10.

Conditions:
Very long chain acyl-CoA dehydrogenase deficiency (ACADVLD). Also called: VLCAD Deficiency; Very Long-Chain Acyl-Coenzyme A Dehydrogenase Deficiency. Identifiers: Orphanet 26793, MedGen C3887523, MONDO:0008723, OMIM 201475.

Submissions (2):

Labcorp Genetics (formerly Invitae), Labcorp
Classification: Pathogenic for Very long chain acyl-CoA dehydrogenase deficiency. Last evaluated: 2025-02-10. Review status: criteria provided, single submitter. Criteria: Invitae Variant Classification Sherloc (09022015). Collection method: clinical testing. Allele origin: germline.
Comment: This sequence change creates a premature translational stop signal (p.Val109Glyfs*18) in the ACADVL gene. It is expected to result in an absent or disrupted protein product. Loss-of-function variants in ACADVL are known to be pathogenic (PMID: 9973285, 11590124). This variant is not present in population databases (gnomAD no frequency). This variant has not been reported in the literature in individuals affected with ACADVL-related conditions. For these reasons, this variant has been classified as Pathogenic.

Myriad Genetics, Inc.
Classification: Pathogenic for Very long chain acyl-CoA dehydrogenase deficiency. Last evaluated: 2023-10-31. Review status: criteria provided, single submitter. Criteria: Myriad Autosomal Dominant, Autosomal Recessive and X-Linked Classification Criteria (2023). Collection method: clinical testing. Allele origin: unknown.
Comment: NM_000018.3(ACADVL):c.316_325dup10(V109Gfs*18) is expected to be pathogenic in the context of very-long-chain acyl-CoA dehydrogenase deficiency. This variant is predicted to lead to an abnormal or absent protein product due to the creation of a premature termination codon in ACADVL, a gene where loss-of-function variants are known to be pathogenic. Please note: this variant was assessed in the context of healthy population screening.

Literature cited by the submitters: PubMed 9973285 (cited by Labcorp Genetics (formerly Invitae), Labcorp); PubMed 11590124 (cited by Labcorp Genetics (formerly Invitae), Labcorp).